The following is an entry in ClinVar:

NM_001042492.3(NF1):c.5503C>G (p.Gln1835Glu)

Gene: NF1 (neurofibromin 1; plus strand). Cytogenetic location: 17q11.2.
Variant type: single nucleotide variant.
Coding change: c.5503C>G on transcript NM_001042492.3 (MANE Select); coding-DNA position 5503, C replaced by G.
Protein change: p.Gln1835Glu; replaces glutamine 1835 with glutamic acid.
Molecular consequence: missense variant.
Genome position (GRCh38, 1-based): chr17:31,327,733, C>G. VCF-style: chr17-31327733-C-G. GRCh37 (hg19) VCF-style: chr17-29654751-C-G.
Other names: c.5440C>G, p.Gln1814Glu (NM_000267.4); short protein forms Q1814E, Q1835E.
Identifiers: ClinVar variation 185445 (VCV000185445.5), dbSNP rs786202177, ClinGen allele CA191978.

ClinVar aggregate classification (germline): Uncertain significance. Review status: criteria provided, multiple submitters, no conflicts (2 of 4 stars). 3 submissions from 3 submitters: Uncertain significance (3). Last evaluated 2026-01-14.

Conditions:
Hereditary cancer-predisposing syndrome. Also called: Tumor predisposition; Hereditary Cancer Syndrome; Hereditary neoplastic syndrome; Neoplastic Syndromes, Hereditary. Identifiers: Orphanet 140162, MedGen C0027672, MeSH D009386, MONDO:0015356.
Neurofibromatosis, type 1 (NF1). Also called: VON RECKLINGHAUSEN DISEASE; NEUROFIBROMATOSIS, TYPE I, SOMATIC; Peripheral type neurofibromatosis; Neurofibromatosis, type I. Identifiers: Orphanet 636, MedGen C0027831, MONDO:0018975, OMIM 162200. Disease mechanism: loss of function.

Submissions (3):

Labcorp Genetics (formerly Invitae), Labcorp
Classification: Uncertain significance for Neurofibromatosis, type 1. Last evaluated: 2026-01-14. Review status: criteria provided, single submitter. Criteria: Invitae Variant Classification Sherloc (09022015). Collection method: clinical testing. Allele origin: germline.
Comment: This sequence change replaces glutamine, which is neutral and polar, with glutamic acid, which is acidic and polar, at codon 1814 of the NF1 protein (p.Gln1814Glu). This variant is not present in population databases (gnomAD no frequency). This variant has not been reported in the literature in individuals affected with NF1-related conditions. ClinVar contains an entry for this variant (Variation ID: 185445). Invitae Evidence Modeling of protein sequence and biophysical properties (such as structural, functional, and spatial information, amino acid conservation, physicochemical variation, residue mobility, and thermodynamic stability) indicates that this missense variant is expected to disrupt NF1 protein function with a positive predictive value of 95%. In summary, the available evidence is currently insufficient to determine the role of this variant in disease. Therefore, it has been classified as a Variant of Uncertain Significance.

Sema4
Classification: Uncertain significance for Hereditary cancer-predisposing syndrome. Last evaluated: 2021-10-15. Review status: criteria provided, single submitter. Criteria: Sema4 Curation Guidelines. Collection method: curation. Allele origin: germline.
Comment: The NF1 c.5440C>G (p.Q1814E) variant has not been reported in the literature to our knowledge. It was not observed in the large and broad cohorts of the Genome Aggregation Database (PMID: 32461654). This variant has been reported in ClinVar (Variation ID: 185445). Functional studies have not been performed, and in silico predictions of the variant's effect on protein function are inconclusive. The evidence is insufficient to meet ACMG/AMP criteria for classifying the variant as benign or pathogenic. Thus, the clinical significance of this variant is currently uncertain.

Ambry Genetics
Classification: Uncertain significance for Hereditary cancer-predisposing syndrome. Last evaluated: 2014-07-03. Review status: criteria provided, single submitter. Criteria: Ambry Autosomal Dominant and X-Linked criteria (10/2015). Collection method: clinical testing. Allele origin: germline. Observed: 1 variant allele.
Comment: The p.Q1835E variant (also known as c.5503C>G), located in coding exon 38 of the NF1 gene, results from a C to G substitution at nucleotide position 5503. The glutamine at codon 1835 is replaced by glutamic acid, an amino acid with highly similar properties. This variant was not reported in population based cohorts in the following databases: Database of Single Nucleotide Polymorphisms (dbSNP), NHLBI Exome Sequencing Project (ESP), and 1000 Genomes Project. In the ESP, this variant was not observed in 6503 samples (13,006 alleles) with coverage at this position.<span style="background-color: initial;">To date, this alteration has been detected with an allele frequency of approximately<span style="background-color: initial;">0.02%<span style="background-color: initial;">(greater than<span style="background-color: initial;">5000<span style="background-color: initial;">alleles tested) in our clinical cohort (includes this individual). Based on protein sequence alignment, t<span style="background-color: initial;">his amino acid position is highly conserved in available vertebrate species. In addition, this alteration is predicted to be benign by PolyPhen, but<span style="background-color: initial;">deleterious<span style="background-color: initial;">by SIFT <em style="background-color: initial;">in silico<span style="background-color: initial;"> analyses.<span style="background-color: initial;">Since supporting evidence is limited at this time, the clinical significance of this variant remains unclear.